The following is an entry in ClinVar:

NM_002691.4(POLD1):c.420C>A (p.His140Gln)

Gene: POLD1 (DNA polymerase delta 1, catalytic subunit; plus strand). Cytogenetic location: 19q13.33.
Variant type: single nucleotide variant.
Coding change: c.420C>A on transcript NM_002691.4 (MANE Select); coding-DNA position 420, C replaced by A.
Protein change: p.His140Gln; replaces histidine 140 with glutamine.
Molecular consequence: missense variant. On other transcripts: non-coding transcript variant (1).
Genome position (GRCh38, 1-based): chr19:50,401,881, C>A. VCF-style: chr19-50401881-C-A. GRCh37 (hg19) VCF-style: chr19-50905138-C-A.
Other names: c.420C>A, p.His140Gln (NM_001256849.1, NM_001308632.1); short protein forms H140Q.
Identifiers: ClinVar variation 3935590 (VCV003935590.1).

ClinVar aggregate classification (germline): Uncertain significance (1 of 4 stars; one submission).

Conditions:
Hereditary cancer-predisposing syndrome. Also called: Tumor predisposition; Hereditary neoplastic syndrome; Hereditary Cancer Syndrome; Neoplastic Syndromes, Hereditary. Identifiers: Orphanet 140162, MedGen C0027672, MeSH D009386, MONDO:0015356.

Submission:

Ambry Genetics
Classification: Uncertain significance for Hereditary cancer-predisposing syndrome. Last evaluated: 2025-06-08. Review status: criteria provided, single submitter. Criteria: Ambry Variant Classification Scheme 2023. Collection method: clinical testing. Allele origin: germline.
Comment: The p.H140Q variant (also known as c.420C>A), located in coding exon 3 of the POLD1 gene, results from a C to A substitution at nucleotide position 420. The histidine at codon 140 is replaced by glutamine, an amino acid with highly similar properties. This amino acid position is conserved. In addition, this alteration is predicted to be tolerated by in silico analysis. Based on the available evidence, the clinical significance of this variant remains unclear.